The following is an entry in ClinVar:

NM_001715.3(BLK):c.219T>A (p.Asn73Lys)

Gene: BLK (BLK proto-oncogene, Src family tyrosine kinase). Cytogenetic location: 8p23.1.
Variant type: single nucleotide variant.
Coding change: c.219T>A on transcript NM_001715.3 (MANE Select); coding-DNA position 219, T replaced by A.
Protein change: p.Asn73Lys; replaces asparagine 73 with lysine.
Molecular consequence: missense variant.
Genome position (GRCh38, 1-based): chr8:11,548,075, T>A. VCF-style: chr8-11548075-T-A. GRCh37 (hg19) VCF-style: chr8-11405584-T-A.
Other names: c.6T>A, p.Asn2Lys (NM_001330465.2); short protein forms N2K, N73K.
Identifiers: ClinVar variation 2723467 (VCV002723467.3), dbSNP rs771224606, ClinGen allele CA4629757.

ClinVar aggregate classification (germline): Uncertain significance (1 of 4 stars; one submission).

Allele frequency attached by ClinVar (database versions not stated): ExAC 0.00003; TOPMed 0.00003; gnomAD 0.00004.
gnomAD v4.1: 89 of 1,613,952 alleles (0.0055%); highest among the groups gnomAD compares: Non-Finnish European, 0.0069%; no homozygotes.

Submission:

Labcorp Genetics (formerly Invitae), Labcorp
Classification: Uncertain significance. Last evaluated: 2023-03-22. Review status: criteria provided, single submitter. Criteria: Invitae Variant Classification Sherloc (09022015). Collection method: clinical testing. Allele origin: germline.
Comment: In summary, the available evidence is currently insufficient to determine the role of this variant in disease. Therefore, it has been classified as a Variant of Uncertain Significance. This sequence change replaces asparagine, which is neutral and polar, with lysine, which is basic and polar, at codon 73 of the BLK protein (p.Asn73Lys). This variant is present in population databases (rs771224606, gnomAD 0.005%). This variant has not been reported in the literature in individuals affected with BLK-related conditions. An algorithm developed to predict the effect of missense changes on protein structure and function (PolyPhen-2) suggests that this variant is likely to be disruptive.